The following is an entry in ClinVar:

ClinVar aggregate classification (germline): Uncertain significance (1 of 4 stars; one submission).

Submission:

Labcorp Genetics (formerly Invitae), Labcorp
Classification: Uncertain significance. Last evaluated: 2022-03-29. Review status: criteria provided, single submitter. Criteria: Invitae Variant Classification Sherloc (09022015). Collection method: clinical testing. Allele origin: germline.
Comment: In summary, the available evidence is currently insufficient to determine the role of this variant in disease. Therefore, it has been classified as a Variant of Uncertain Significance. Algorithms developed to predict the effect of missense changes on protein structure and function are either unavailable or do not agree on the potential impact of this missense change (SIFT: "Deleterious"; PolyPhen-2: "Possibly Damaging"; Align-GVGD: "Class C15"). This variant has not been reported in the literature in individuals affected with RGS9BP-related conditions. This variant is not present in population databases (gnomAD no frequency). This sequence change replaces alanine, which is neutral and non-polar, with glutamic acid, which is acidic and polar, at codon 223 of the RGS9BP protein (p.Ala223Glu).

NM_207391.3(RGS9BP):c.668C>A (p.Ala223Glu)

Gene: RGS9BP (regulator of G protein signaling 9 binding protein; plus strand). Cytogenetic location: 19q13.11.
Variant type: single nucleotide variant.
Coding change: c.668C>A on transcript NM_207391.3 (MANE Select); coding-DNA position 668, C replaced by A.
Protein change: p.Ala223Glu; replaces alanine 223 with glutamic acid.
Molecular consequence: missense variant.
Genome position (GRCh38, 1-based): chr19:32,676,931, C>A. VCF-style: chr19-32676931-C-A. GRCh37 (hg19) VCF-style: chr19-33167837-C-A.
Other names: short protein forms A223E.
Identifiers: ClinVar variation 1909132 (VCV001909132.5), dbSNP rs35413309, ClinGen allele CA405187703.